The following is an entry in ClinVar:

NM_001367624.2(ZNF469):c.11576C>T (p.Pro3859Leu)

Gene: ZNF469 (zinc finger protein 469; plus strand). Cytogenetic location: 16q24.2.
Variant type: single nucleotide variant.
Coding change: c.11576C>T on transcript NM_001367624.2 (MANE Select); coding-DNA position 11576, C replaced by T.
Protein change: p.Pro3859Leu; replaces proline 3859 with leucine.
Molecular consequence: missense variant.
Genome position (GRCh38, 1-based): chr16:88,439,046, C>T. VCF-style: chr16-88439046-C-T. GRCh37 (hg19) VCF-style: chr16-88505454-C-T.
Other names: NM_001127464.1:c.11492C>T; NM_001127464.2:c.11492C>T; short protein forms P3859L.
Identifiers: ClinVar variation 1404140 (VCV001404140.7), dbSNP rs1056874191, ClinGen allele CA286388258.

ClinVar aggregate classification (germline): Conflicting classifications of pathogenicity. Review status: criteria provided, conflicting classifications (1 of 4 stars). 3 submissions from 3 submitters: Uncertain significance (2); Likely benign (1). Last evaluated 2026-03-30.

Conditions:
ZNF469-related disorder. Also called: ZNF469-related condition.
Cardiovascular phenotype. Identifiers: MedGen CN230736.

Allele frequency attached by ClinVar (database versions not stated): gnomAD 0.00001; gnomAD exomes 0.00002 and 0.00010; TOPMed 0.00003; 1000 Genomes Project 30x 0.00031.
gnomAD v4.1: 32 of 1,550,528 alleles (0.0021%); highest among the groups gnomAD compares: Admixed American, 0.025%; no homozygotes.

Submissions (3):

PreventionGenetics, part of Exact Sciences
Classification: Uncertain significance for ZNF469-related condition. Last evaluated: 2026-03-30. Review status: criteria provided, single submitter. Criteria: ACMG Guidelines, 2015. Collection method: clinical testing. Allele origin: germline.
Comment: The ZNF469 c.11492C>T variant is predicted to result in the amino acid substitution p.Pro3831Leu. To our knowledge, this variant has not been reported in the literature. This variant is reported in 0.045% of alleles in individuals of Latino descent in gnomAD. At this time, the clinical significance of this variant is uncertain due to the absence of conclusive functional and genetic evidence.

Ambry Genetics
Classification: Likely benign for Cardiovascular phenotype. Last evaluated: 2025-06-07. Review status: criteria provided, single submitter. Criteria: Ambry Variant Classification Scheme 2023. Collection method: clinical testing. Allele origin: germline.

Labcorp Genetics (formerly Invitae), Labcorp
Classification: Uncertain significance. Last evaluated: 2021-11-20. Review status: criteria provided, single submitter. Criteria: Invitae Variant Classification Sherloc (09022015). Collection method: clinical testing. Allele origin: germline.
Comment: This sequence change replaces proline, which is neutral and non-polar, with leucine, which is neutral and non-polar, at codon 3831 of the ZNF469 protein (p.Pro3831Leu). This variant is present in population databases (no rsID available, gnomAD 0.03%). This variant has not been reported in the literature in individuals affected with ZNF469-related conditions. Algorithms developed to predict the effect of missense changes on protein structure and function are either unavailable or do not agree on the potential impact of this missense change (SIFT: "Tolerated"; PolyPhen-2: "Probably Damaging"; Align-GVGD: "Class C0"). In summary, the available evidence is currently insufficient to determine the role of this variant in disease. Therefore, it has been classified as a Variant of Uncertain Significance.